The following is an entry in ClinVar:

NM_005045.4(RELN):c.2913G>A (p.Met971Ile)

Gene: RELN (reelin; minus strand). Cytogenetic location: 7q22.1.
Variant type: single nucleotide variant.
Coding change: c.2913G>A on transcript NM_005045.4 (MANE Select); coding-DNA position 2913, G replaced by A.
Protein change: p.Met971Ile; replaces methionine 971 with isoleucine.
Molecular consequence: missense variant.
Genome position (GRCh38, 1-based): chr7:103,610,790, C>T on the plus strand (G>A on the coding strand, the complement: RELN is on the minus strand). VCF-style: chr7-103610790-C-T. GRCh37 (hg19) VCF-style: chr7-103251237-C-T.
Other names: c.2913G>A, p.Met971Ile (NM_173054.3); short protein forms M971I.
Identifiers: ClinVar variation 2936816 (VCV002936816.3), dbSNP rs2484750902, ClinGen allele CA368766012.
Genomic context (GRCh38, chr7:103,610,790, plus strand): 5'-CCACTGTGTAAACTCACTGGCATGGTAAATACTTGCTGATGTAAATTCCTGACAACTTGG[C>T]ATACTTGGAAGGCATTCCTGAAAGAAAGTTAGGCACAAATCAAACCCAGCTTCTGTTTTC-3'
Protein context (NP_005036.2, residues 961-981): HLVQEECLPS[Met971Ile]PSCQEFTSAS

ClinVar aggregate classification (germline): Uncertain significance (1 of 4 stars; one submission).

Conditions:
Norman-Roberts syndrome (LIS2). Also called: Lissencephaly 2 (Norman-Roberts type). Identifiers: Orphanet 89844, MedGen C0796089, MONDO:0009760, OMIM 257320.
Familial temporal lobe epilepsy 7. Identifiers: Orphanet 101046, MedGen C4225327, MONDO:0014639, OMIM 616436.

Allele frequency attached by ClinVar (database versions not stated): gnomAD exomes below 0.00001.
gnomAD v4.1: 2 of 1,607,816 alleles (0.00012%); highest among the groups gnomAD compares: Non-Finnish European, 0.00017%; no homozygotes.

Submission:

Labcorp Genetics (formerly Invitae), Labcorp
Classification: Uncertain significance for Familial temporal lobe epilepsy 7; Norman-Roberts syndrome. Last evaluated: 2022-11-23. Review status: criteria provided, single submitter. Criteria: Invitae Variant Classification Sherloc (09022015). Collection method: clinical testing. Allele origin: germline.
Comment: This variant has not been reported in the literature in individuals affected with RELN-related conditions. In summary, the available evidence is currently insufficient to determine the role of this variant in disease. Therefore, it has been classified as a Variant of Uncertain Significance. Advanced modeling of protein sequence and biophysical properties (such as structural, functional, and spatial information, amino acid conservation, physicochemical variation, residue mobility, and thermodynamic stability) performed at Invitae indicates that this missense variant is not expected to disrupt RELN protein function. This variant is not present in population databases (gnomAD no frequency). This sequence change replaces methionine, which is neutral and non-polar, with isoleucine, which is neutral and non-polar, at codon 971 of the RELN protein (p.Met971Ile).